The following is an entry in ClinVar:

NM_001429.4(EP300):c.2019T>C (p.Pro673=)

Gene: EP300 (EP300 lysine acetyltransferase; plus strand). Cytogenetic location: 22q13.2.
Variant type: single nucleotide variant.
Coding change: c.2019T>C on transcript NM_001429.4 (MANE Select); coding-DNA position 2019, T replaced by C.
Protein change: p.Pro673=; no amino-acid change (proline 673 retained).
Molecular consequence: synonymous variant.
Genome position (GRCh38, 1-based): chr22:41,141,188, T>C. VCF-style: chr22-41141188-T-C. GRCh37 (hg19) VCF-style: chr22-41537192-T-C.
Other names: c.2019T>C, p.Pro673= (NM_001362843.2).
Identifiers: ClinVar variation 158558 (VCV000158558.21), dbSNP rs2230110, ClinGen allele CA271491.

ClinVar aggregate classification (germline): Conflicting classifications of pathogenicity. Review status: criteria provided, conflicting classifications (1 of 4 stars). 4 submissions from 4 submitters: Uncertain significance (1); Benign (2). 1 of the submissions does not count toward it. Last evaluated 2026-02-01.

Conditions:
EP300-related disorder. Also called: EP300-related condition; EP300-related disorders.
Rubinstein-Taybi syndrome due to EP300 haploinsufficiency. Also called: RUBINSTEIN-TAYBI SYNDROME 2; EP300-Related Rubinstein-Taybi Syndrome. Identifiers: Orphanet 353284, Orphanet 783, MedGen C3150941, MONDO:0013364, OMIM 613684.

Allele frequency attached by ClinVar (database versions not stated): gnomAD exomes 0.00097 and 0.00258; ExAC 0.00344; gnomAD 0.00998 and 0.01054; ESP Exome Variant Server 0.01146; 1000 Genomes Project 0.01158; TOPMed 0.01199; 1000 Genomes Project 30x 0.01343.
gnomAD v4.1: 2,994 of 1,614,190 alleles (0.19%); highest among the groups gnomAD compares: African/African-American, 3.5%; 50 homozygotes.

Submissions (4):

Labcorp Genetics (formerly Invitae), Labcorp
Classification: Benign for Rubinstein-Taybi syndrome due to EP300 haploinsufficiency. Last evaluated: 2026-02-01. Review status: criteria provided, single submitter. Criteria: Invitae Variant Classification Sherloc (09022015). Collection method: clinical testing. Allele origin: germline.

GeneDx
Classification: Benign. Last evaluated: 2020-09-17. Review status: criteria provided, single submitter. Criteria: GeneDx Variant Classification Process June 2021. Collection method: clinical testing. Allele origin: germline. Affected: yes.

Genetic Services Laboratory, University of Chicago
Classification: Uncertain significance for Rubinstein-Taybi syndrome 2. Last evaluated: 2013-03-04. Review status: criteria provided, single submitter. Criteria: ACMG Guidelines, 2007. Collection method: clinical testing. Allele origin: germline. Inheritance: Autosomal dominant inheritance.

PreventionGenetics, part of Exact Sciences
Classification: Benign for EP300-related condition. Last evaluated: 2019-05-15. Review status: no assertion criteria provided. Collection method: clinical testing. Allele origin: germline. Not counted in ClinVar's aggregate classification.
Comment: This variant is classified as benign based on ACMG/AMP sequence variant interpretation guidelines (Richards et al. 2015 PMID: 25741868, with internal and published modifications).